The following is an entry in ClinVar:

ClinVar aggregate classification (germline): Uncertain significance (1 of 4 stars; one submission).

Allele frequency attached by ClinVar (database versions not stated): TOPMed below 0.00001; gnomAD 0.00001; gnomAD exomes 0.00004.
gnomAD v4.1: 63 of 1,611,876 alleles (0.0039%); highest among the groups gnomAD compares: Non-Finnish European, 0.005%; no homozygotes.

Submission:

Labcorp Genetics (formerly Invitae), Labcorp
Classification: Uncertain significance. Last evaluated: 2023-10-09. Review status: criteria provided, single submitter. Criteria: Invitae Variant Classification Sherloc (09022015). Collection method: clinical testing. Allele origin: germline.
Comment: This sequence change falls in intron 6 of the JAK2 gene. It does not directly change the encoded amino acid sequence of the JAK2 protein. It affects a nucleotide within the consensus splice site. This variant is not present in population databases (gnomAD no frequency). This variant has not been reported in the literature in individuals affected with JAK2-related conditions. Variants that disrupt the consensus splice site are a relatively common cause of aberrant splicing (PMID: 17576681, 9536098). Algorithms developed to predict the effect of sequence changes on RNA splicing suggest that this variant is not likely to affect RNA splicing. In summary, the available evidence is currently insufficient to determine the role of this variant in disease. Therefore, it has been classified as a Variant of Uncertain Significance.

Literature cited by the submitters: PubMed 17576681; PubMed 9536098.

NM_004972.4(JAK2):c.614+5T>G

Genes: INSL6 (insulin like 6; minus strand), JAK2 (Janus kinase 2; plus strand). Cytogenetic location: 9p24.1.
Variant type: single nucleotide variant.
Coding change: c.614+5T>G on transcript NM_004972.4 (MANE Select); 5 bases into the intron after coding-DNA position 614, T replaced by G.
Molecular consequence: intron variant.
Genome position (GRCh38, 1-based): chr9:5,050,836, T>G. VCF-style: chr9-5050836-T-G. GRCh37 (hg19) VCF-style: chr9-5050836-T-G.
Other names: c.614+5T>G (NM_001322196.2, NM_001322194.2, NM_001322195.2); c.-507+5T>G (NM_001322199.2, NM_001322198.2); c.167+5T>G (NM_001322204.2).
Identifiers: ClinVar variation 2956116 (VCV002956116.3), dbSNP rs752012407, ClinGen allele CA188409029.